The following is an entry in ClinVar:

ClinVar aggregate classification (germline): Conflicting classifications of pathogenicity. Review status: criteria provided, conflicting classifications (1 of 4 stars). 4 submissions from 4 submitters: Uncertain significance (2); Benign (1). 1 of the submissions does not count toward it. Last evaluated 2025-12-02.

Conditions:
Focal segmental glomerulosclerosis 3, susceptibility to (FSGS3). Identifiers: Orphanet 656, MedGen C1842982, MONDO:0011917, OMIM 607832.
CD2AP-related disorder. Also called: CD2AP-related condition.

Allele frequency attached by ClinVar (database versions not stated): ExAC 0.00016; gnomAD exomes 0.00016 and 0.00021; gnomAD 0.00020 and 0.00021; TOPMed 0.00030; ESP Exome Variant Server 0.00038; 1000 Genomes Project 0.00040; 1000 Genomes Project 30x 0.00047.
gnomAD v4.1: 267 of 1,613,940 alleles (0.017%); highest among the groups gnomAD compares: Middle Eastern, 0.2%; no homozygotes.

Submissions (4):

Labcorp Genetics (formerly Invitae), Labcorp
Classification: Uncertain significance. Last evaluated: 2025-12-02. Review status: criteria provided, single submitter. Criteria: Invitae Variant Classification Sherloc (09022015). Collection method: clinical testing. Allele origin: germline.
Comment: This sequence change replaces arginine, which is basic and polar, with tryptophan, which is neutral and slightly polar, at codon 228 of the CD2AP protein (p.Arg228Trp). This variant is present in population databases (rs150851309, gnomAD 0.06%). This missense change has been observed in individual(s) with clinical features of CD2AP-related conditions (PMID: 30406062, 31027891, 33712733). ClinVar contains an entry for this variant (Variation ID: 357170). Invitae Evidence Modeling of protein sequence and biophysical properties (such as structural, functional, and spatial information, amino acid conservation, physicochemical variation, residue mobility, and thermodynamic stability) indicates that this missense variant is not expected to disrupt CD2AP protein function with a negative predictive value of 80%. In summary, the available evidence is currently insufficient to determine the role of this variant in disease. Therefore, it has been classified as a Variant of Uncertain Significance.

PreventionGenetics, part of Exact Sciences
Classification: Uncertain significance for CD2AP-related condition. Last evaluated: 2022-10-27. Review status: criteria provided, single submitter. Criteria: ACMG Guidelines, 2015. Collection method: clinical testing. Allele origin: germline.
Comment: The CD2AP c.682C>T variant is predicted to result in the amino acid substitution p.Arg228Trp. This variant was reported in one individual with steroid-resistant nephrotic syndrome (Table S2, Varner et al. 2018. PubMed ID: 30406062) and found in another individual with focal segmental glomerulosclerosis (Table S2, Ottlewski. 2019. PubMed ID: 31027891). This variant was reported as uncertain in a study of monogenic kidney disease in adults waitlisted for kidney transplantation (Table 1, Schrezenmeier et al. 2021. PubMed ID: 33712733). This variant is reported in 0.059% of alleles in individuals of Latino descent in gnomAD. In ClinVar, this variant is interpreted as benign/uncertain. Although we suspect that this variant may be benign, at this time, the clinical significance of this variant is uncertain due to the absence of conclusive functional and genetic evidence.

Illumina Laboratory Services, Illumina
Classification: Benign for Focal segmental glomerulosclerosis 3, susceptibility to. Last evaluated: 2018-01-13. Review status: criteria provided, single submitter. Criteria: ICSL Variant Classification Criteria 13 December 2019. Collection method: clinical testing. Allele origin: germline.
Comment: This variant was observed in the ICSL laboratory as part of a predisposition screen in an ostensibly healthy population. It had not been previously curated by ICSL or reported in the Human Gene Mutation Database (HGMD: prior to June 1st, 2018), and was therefore a candidate for classification through an automated scoring system. Utilizing variant allele frequency, disease prevalence and penetrance estimates, and inheritance mode, an automated score was calculated to assess if this variant is too frequent to cause the disease. Based on the score and internal cut-off values, a variant classified as benign is not then subjected to further curation. The score for this variant resulted in a classification of benign for this disease.

Bioscientia Institut fuer Medizinische Diagnostik GmbH, Sonic Healthcare
Classification: Uncertain significance for Focal segmental glomerulosclerosis 3, susceptibility to. Last evaluated: 2018-03-19. Review status: no assertion criteria provided. Collection method: clinical testing. Allele origin: germline. Affected: yes. Not counted in ClinVar's aggregate classification.

Literature cited by the submitters: PubMed 30406062 (cited by Labcorp Genetics (formerly Invitae), Labcorp); PubMed 31027891 (cited by Labcorp Genetics (formerly Invitae), Labcorp); PubMed 33712733 (cited by Labcorp Genetics (formerly Invitae), Labcorp).

NM_012120.3(CD2AP):c.682C>T (p.Arg228Trp)

Gene: CD2AP (CD2 associated protein; plus strand). Cytogenetic location: 6p12.3.
Variant type: single nucleotide variant.
Coding change: c.682C>T on transcript NM_012120.3 (MANE Select); coding-DNA position 682, C replaced by T.
Protein change: p.Arg228Trp; replaces arginine 228 with tryptophan.
Molecular consequence: missense variant.
Genome position (GRCh38, 1-based): chr6:47,574,204, C>T. VCF-style: chr6-47574204-C-T. GRCh37 (hg19) VCF-style: chr6-47541940-C-T.
Other names: short protein forms R228W.
Identifiers: ClinVar variation 357170 (VCV000357170.12), dbSNP rs150851309, ClinGen allele CA3844055.